The following is an entry in ClinVar:

NM_020719.3(PRR12):c.220A>C (p.Thr74Pro)

Gene: PRR12 (proline rich 12; plus strand). Cytogenetic location: 19q13.33.
Variant type: single nucleotide variant.
Coding change: c.220A>C on transcript NM_020719.3 (MANE Select); coding-DNA position 220, A replaced by C.
Protein change: p.Thr74Pro; replaces threonine 74 with proline.
Molecular consequence: missense variant.
Genome position (GRCh38, 1-based): chr19:49,594,474, A>C. VCF-style: chr19-49594474-A-C. GRCh37 (hg19) VCF-style: chr19-50097731-A-C.
Other names: short protein forms T74P.
Identifiers: ClinVar variation 2376395 (VCV002376395.29), dbSNP rs756647513, ClinGen allele CA9577580.

ClinVar aggregate classification (germline): Likely benign. Review status: criteria provided, multiple submitters, no conflicts (2 of 4 stars). 2 submissions from 2 submitters: Likely benign (2). Last evaluated 2023-10-01.

Conditions:
Inborn genetic diseases. Identifiers: MedGen C0950123, MeSH D030342.

Allele frequency attached by ClinVar (database versions not stated): ExAC 0.00007; gnomAD 0.00007; TOPMed 0.00012; gnomAD exomes 0.00020.

Submissions (2):

CeGaT Center for Human Genetics Tuebingen
Classification: Likely benign. Last evaluated: 2023-10-01. Review status: criteria provided, single submitter. Criteria: CeGaT Center For Human Genetics Tuebingen Variant Classification Criteria Version 2. Collection method: clinical testing. Allele origin: germline. Affected: yes. Observed: 2 variant alleles.
Comment: PRR12: BS2

Ambry Genetics
Classification: Likely benign for Inborn genetic diseases. Last evaluated: 2021-12-06. Review status: criteria provided, single submitter. Criteria: Ambry Variant Classification Scheme 2023. Collection method: clinical testing. Allele origin: germline.